The following is an entry in ClinVar:

NM_006790.3(MYOT):c.372del (p.Ala125fs)

Genes: MYOT (myotilin; plus strand), PKD2L2-DT (PKD2L2 divergent transcript; minus strand). Cytogenetic location: 5q31.2.
Variant type: Deletion.
Coding change: c.372del on transcript NM_006790.3 (MANE Select); coding-DNA position 372, one base deleted (A; older notation c.372delA).
Protein change: p.Ala125fs; shifts the reading frame from alanine 125.
Molecular consequence: frameshift variant. On other transcripts: 5 prime UTR variant (1).
Genome position (GRCh38, 1-based): chr5:137,875,844, A deleted. VCF-style (leftmost placement, unchanged base first): chr5-137875843-CA-C. GRCh37 (hg19) VCF-style: chr5-137211532-CA-C.
Other names: c.-181del (NM_001135940.2); c.27del, p.Ala10fs (NM_001300911.2); c.372delA (NM_006790.2); c.372del (NM_006790.2); short protein forms A125fs, A10fs.
Identifiers: ClinVar variation 464370 (VCV000464370.10), dbSNP rs781353247, ClinGen allele CA3422906.

ClinVar aggregate classification (germline): Uncertain significance. Review status: criteria provided, multiple submitters, no conflicts (2 of 4 stars). 4 submissions from 4 submitters: Uncertain significance (4). Last evaluated 2024-10-10.

Conditions:
Myofibrillar myopathy 3 (MFM3). Also called: Autosomal dominant spheroid body myopathy; Muscular dystrophy, proximal, type 1A. Identifiers: Orphanet 266, Orphanet 268129, MedGen C3714934, MONDO:0012215, OMIM 609200.

Allele frequency attached by ClinVar (database versions not stated): gnomAD exomes below 0.00001 and 0.00001; TOPMed below 0.00001; ExAC 0.00001; gnomAD 0.00001; ESP Exome Variant Server 0.00008.

Submissions (4):

GeneDx
Classification: Uncertain significance. Last evaluated: 2024-10-10. Review status: criteria provided, single submitter. Criteria: GeneDx Variant Classification Process June 2021. Collection method: clinical testing. Allele origin: germline. Affected: yes.
Comment: Reported previously in two patients from a cohort of patients with unexplained limb-girdle muscle weakness; however, no specific clinical information was provided (PMID: 32528171); Frameshift variant predicted to result in protein truncation or nonsense mediated decay in a gene for which loss-of-function is not a known mechanism of disease; This variant is associated with the following publications: (PMID: 32528171)

Labcorp Genetics (formerly Invitae), Labcorp
Classification: Uncertain significance for Myofibrillar myopathy 3. Last evaluated: 2023-09-03. Review status: criteria provided, single submitter. Criteria: Invitae Variant Classification Sherloc (09022015). Collection method: clinical testing. Allele origin: germline.
Comment: This premature translational stop signal has been observed in individual(s) with clinical features of MYOT-related conditions (PMID: 32528171). ClinVar contains an entry for this variant (Variation ID: 464370). In summary, the available evidence is currently insufficient to determine the role of this variant in disease. Therefore, it has been classified as a Variant of Uncertain Significance. This variant is present in population databases (rs781353247, gnomAD 0.002%). This sequence change creates a premature translational stop signal (p.Ala125Leufs*5) in the MYOT gene. It is expected to result in an absent or disrupted protein product. However, the current clinical and genetic evidence is not sufficient to establish whether loss-of-function variants in MYOT cause disease.

Revvity Omics, Revvity
Classification: Uncertain significance for Myofibrillar myopathy 3. Last evaluated: 2021-10-26. Review status: criteria provided, single submitter. Criteria: ACMG Guidelines, 2015. Collection method: clinical testing. Allele origin: germline.

Breakthrough Genomics
Classification: Uncertain significance. Review status: criteria provided, single submitter. Criteria: ACMG Guidelines, 2015. Collection method: not provided. Allele origin: germline. Inheritance: Autosomal dominant inheritance. Affected: yes.

Literature cited by the submitters: PubMed 32528171 (cited by Labcorp Genetics (formerly Invitae), Labcorp).